The following is an entry in ClinVar:

NM_001458.5(FLNC):c.4000_4015del (p.Ala1334fs)

Gene: FLNC (filamin C; plus strand). Cytogenetic location: 7q32.1.
Variant type: Deletion.
Coding change: c.4000_4015del on transcript NM_001458.5 (MANE Select); coding-DNA positions 4000 to 4015, 16 bases deleted (GCTGTGCCCAAGAGCC).
Protein change: p.Ala1334fs; shifts the reading frame from alanine 1334.
Molecular consequence: frameshift variant.
Genome position (GRCh38, 1-based): chr7:128,846,336-128,846,351, GCTGTGCCCAAGAGCC deleted; deleting any 16 consecutive bases within chr7:128,846,335-128,846,351 gives the same sequence; the c. name uses the placement nearest the transcript's 3' end. VCF-style (leftmost placement, unchanged base first): chr7-128846334-TCGCTGTGCCCAAGAGC-T. GRCh37 (hg19) VCF-style: chr7-128486388-TCGCTGTGCCCAAGAGC-T.
Other names: c.4000_4015del, p.Ala1334fs (NM_001127487.2); short protein forms A1334fs.
Identifiers: ClinVar variation 2947457 (VCV002947457.3), dbSNP rs2536641925, ClinGen allele CA2684812576.
Genomic context (GRCh38, chr7:128,846,334, plus strand): 5'-ATTGATGCCCCTGTGGCTGGCTTCCAGGCGTGCATCTGGTGGAGGTCCTGTATGATGAGG[TCGCTGTGCCCAAGAGC>T]CCCTTCCGAGTGGGCGTGACCGAGGGCTGTGATCCCACCCGCGTCCGAGCCTTCGGGCCA-3'

ClinVar aggregate classification (germline): Pathogenic (1 of 4 stars; one submission).

Conditions:
Hypertrophic cardiomyopathy 26. Also called: Cardiomyopathy, familial hypertrophic, 26. Identifiers: Orphanet 75249, MedGen C4310749, MONDO:0014883, OMIM 617047.
Myofibrillar myopathy 5. Also called: Filaminopathy (type); FILAMINOPATHY, AUTOSOMAL DOMINANT. Identifiers: Orphanet 171445, MedGen C1836050, MONDO:0012289, OMIM 609524.
Distal myopathy with posterior leg and anterior hand involvement. Also called: WILLIAMS DISTAL MYOPATHY. Identifiers: Orphanet 63273, MedGen C3279722, MONDO:0013550, OMIM 614065.

Submission:

Labcorp Genetics (formerly Invitae), Labcorp
Classification: Pathogenic for Distal myopathy with posterior leg and anterior hand involvement; Myofibrillar myopathy 5; Hypertrophic cardiomyopathy 26. Last evaluated: 2024-04-24. Review status: criteria provided, single submitter. Criteria: Invitae Variant Classification Sherloc (09022015). Collection method: clinical testing. Allele origin: germline.
Comment: This sequence change creates a premature translational stop signal (p.Ala1334Profs*6) in the FLNC gene. It is expected to result in an absent or disrupted protein product. Loss-of-function variants in FLNC are known to be pathogenic (PMID: 27908349). This variant is not present in population databases (gnomAD no frequency). This variant has not been reported in the literature in individuals affected with FLNC-related conditions. For these reasons, this variant has been classified as Pathogenic.

Literature cited by the submitters: PubMed 27908349.